The following is an entry in ClinVar:

ClinVar aggregate classification (germline): Uncertain significance (1 of 4 stars; one submission).

Allele frequency attached by ClinVar (database versions not stated): ExAC 0.00002.
gnomAD v4.1: 5 of 1,613,394 alleles (0.00031%); highest among the groups gnomAD compares: East Asian, 0.0022%; no homozygotes.

Submission:

Labcorp Genetics (formerly Invitae), Labcorp
Classification: Uncertain significance. Last evaluated: 2022-05-18. Review status: criteria provided, single submitter. Criteria: Invitae Variant Classification Sherloc (09022015). Collection method: clinical testing. Allele origin: germline.
Comment: Algorithms developed to predict the effect of missense changes on protein structure and function are either unavailable or do not agree on the potential impact of this missense change (SIFT: "Not Available"; PolyPhen-2: "Benign"; Align-GVGD: "Not Available"). This sequence change replaces isoleucine, which is neutral and non-polar, with valine, which is neutral and non-polar, at codon 4261 of the VPS13D protein (p.Ile4261Val). This variant is present in population databases (rs754418129, gnomAD 0.002%). This variant has not been reported in the literature in individuals affected with VPS13D-related conditions. In summary, the available evidence is currently insufficient to determine the role of this variant in disease. Therefore, it has been classified as a Variant of Uncertain Significance.

NM_015378.4(VPS13D):c.12781A>G (p.Ile4261Val)

Gene: VPS13D (vacuolar protein sorting 13 homolog D; plus strand). Cytogenetic location: 1p36.22.
Variant type: single nucleotide variant.
Coding change: c.12781A>G on transcript NM_015378.4 (MANE Select); coding-DNA position 12781, A replaced by G.
Protein change: p.Ile4261Val; replaces isoleucine 4261 with valine.
Molecular consequence: missense variant.
Genome position (GRCh38, 1-based): chr1:12,497,618, A>G. VCF-style: chr1-12497618-A-G. GRCh37 (hg19) VCF-style: chr1-12557672-A-G.
Other names: c.12706A>G, p.Ile4236Val (NM_018156.4); short protein forms I4261V, I4236V.
Identifiers: ClinVar variation 1960365 (VCV001960365.5), dbSNP rs754418129, ClinGen allele CA604293.